The following is an entry in ClinVar:

ClinVar aggregate classification (germline): Conflicting classifications of pathogenicity. Review status: criteria provided, conflicting classifications (1 of 4 stars). 5 submissions from 5 submitters: Uncertain significance (1); Benign (1); Likely benign (3). Last evaluated 2026-08-01.

Conditions:
Inborn genetic diseases. Identifiers: MedGen C0950123, MeSH D030342.

Allele frequency attached by ClinVar (database versions not stated): gnomAD 0.00025 and 0.00001; 1000 Genomes Project 30x 0.00172; TOPMed 0.00003.
gnomAD v4.1: 213 of 1,051,618 alleles (0.02%); highest among the groups gnomAD compares: South Asian, 0.62%; 1 homozygote.

Submissions (5):

CeGaT Center for Human Genetics Tuebingen
Classification: Likely benign. Last evaluated: 2026-08-01. Review status: criteria provided, single submitter. Criteria: CeGaT Center For Human Genetics Tuebingen Variant Classification Criteria Version 2. Collection method: clinical testing. Allele origin: germline. Affected: yes. Observed: 4 variant alleles.
Comment: KMT2B: PM2, BS2

Labcorp Genetics (formerly Invitae), Labcorp
Classification: Benign. Last evaluated: 2026-01-24. Review status: criteria provided, single submitter. Criteria: Invitae Variant Classification Sherloc (09022015). Collection method: clinical testing. Allele origin: germline.

Blueprint Genetics
Classification: Likely benign. Last evaluated: 2024-11-06. Review status: criteria provided, single submitter. Criteria: ACMG Guidelines, 2015. Collection method: clinical testing. Allele origin: germline.

Ambry Genetics
Classification: Uncertain significance for Inborn genetic diseases. Last evaluated: 2022-10-27. Review status: criteria provided, single submitter. Criteria: Ambry Variant Classification Scheme 2023. Collection method: clinical testing. Allele origin: germline.

GeneDx
Classification: Likely benign. Last evaluated: 2021-06-14. Review status: criteria provided, single submitter. Criteria: GeneDx Variant Classification Process June 2021. Collection method: clinical testing. Allele origin: germline. Affected: yes.

NM_014727.3(KMT2B):c.127G>C (p.Val43Leu)

Gene: KMT2B (lysine methyltransferase 2B; plus strand). Cytogenetic location: 19q13.12.
Variant type: single nucleotide variant.
Coding change: c.127G>C on transcript NM_014727.3 (MANE Select); coding-DNA position 127, G replaced by C.
Protein change: p.Val43Leu; replaces valine 43 with leucine.
Molecular consequence: missense variant.
Genome position (GRCh38, 1-based): chr19:35,718,145, G>C. VCF-style: chr19-35718145-G-C. GRCh37 (hg19) VCF-style: chr19-36209047-G-C.
Other names: c.127G>C (NM_014727.1); short protein forms V43L.
Identifiers: ClinVar variation 1195215 (VCV001195215.37), dbSNP rs866302515, ClinGen allele CA307779914.